The following is an entry in ClinVar:

NM_000143.4(FH):c.1170C>A (p.Asn390Lys)

Gene: FH (fumarate hydratase; minus strand). Cytogenetic location: 1q43.
Variant type: single nucleotide variant.
Coding change: c.1170C>A on transcript NM_000143.4 (MANE Select); coding-DNA position 1170, C replaced by A.
Protein change: p.Asn390Lys; replaces asparagine 390 with lysine.
Molecular consequence: missense variant.
Genome position (GRCh38, 1-based): chr1:241,502,509, G>T on the plus strand (C>A on the coding strand, the complement: FH is on the minus strand). VCF-style: chr1-241502509-G-T. GRCh37 (hg19) VCF-style: chr1-241665809-G-T.
Other names: short protein forms N390K.
Identifiers: ClinVar variation 1303417 (VCV001303417.4), dbSNP rs1659806898, ClinGen allele CA345437443.

ClinVar aggregate classification (germline): Conflicting classifications of pathogenicity. Review status: criteria provided, conflicting classifications (1 of 4 stars). 2 submissions from 2 submitters: Likely pathogenic (1); Uncertain significance (1). Last evaluated 2025-09-28.

Submissions (2):

Labcorp Genetics (formerly Invitae), Labcorp
Classification: Likely pathogenic. Last evaluated: 2025-09-28. Review status: criteria provided, single submitter. Criteria: Invitae Variant Classification Sherloc (09022015). Collection method: clinical testing. Allele origin: germline.
Comment: This sequence change replaces asparagine, which is neutral and polar, with lysine, which is basic and polar, at codon 390 of the FH protein (p.Asn390Lys). This variant is not present in population databases (gnomAD no frequency). This missense change has been observed in individual(s) with autosomal dominant FH-related conditions (internal data). ClinVar contains an entry for this variant (Variation ID: 1303417). Invitae Evidence Modeling of protein sequence and biophysical properties (such as structural, functional, and spatial information, amino acid conservation, physicochemical variation, residue mobility, and thermodynamic stability) indicates that this missense variant is expected to disrupt FH protein function with a positive predictive value of 95%. In summary, the currently available evidence indicates that the variant is pathogenic, but additional data are needed to prove that conclusively. Therefore, this variant has been classified as Likely Pathogenic.

GeneDx
Classification: Uncertain significance. Last evaluated: 2016-12-19. Review status: criteria provided, single submitter. Criteria: GeneDx Variant Classification Process June 2021. Collection method: clinical testing. Allele origin: germline. Affected: yes.
Comment: Not observed in large population cohorts (Lek et al., 2016); In silico analysis, which includes protein predictors and evolutionary conservation, supports a deleterious effect; Has not been previously published as pathogenic or benign to our knowledge